The following is an entry in ClinVar:

NM_000075.4(CDK4):c.236C>T (p.Ala79Val)

Gene: CDK4 (cyclin dependent kinase 4; minus strand). Cytogenetic location: 12q14.1.
Variant type: single nucleotide variant.
Coding change: c.236C>T on transcript NM_000075.4 (MANE Select); coding-DNA position 236, C replaced by T.
Protein change: p.Ala79Val; replaces alanine 79 with valine.
Molecular consequence: missense variant.
Genome position (GRCh38, 1-based): chr12:57,751,325, G>A on the plus strand (C>T on the coding strand, the complement: CDK4 is on the minus strand). VCF-style: chr12-57751325-G-A. GRCh37 (hg19) VCF-style: chr12-58145108-G-A.
Other names: short protein forms A79V.
Identifiers: ClinVar variation 4755081 (VCV004755081.1).

ClinVar aggregate classification (germline): Uncertain significance (1 of 4 stars; one submission).

Conditions:
Familial melanoma. Also called: Hereditary melanoma; Hereditary cutaneous melanoma. Identifiers: Orphanet 618, MedGen C1512419, MONDO:0018961.

Submission:

Labcorp Genetics (formerly Invitae), Labcorp
Classification: Uncertain significance for Familial melanoma. Last evaluated: 2025-09-24. Review status: criteria provided, single submitter. Criteria: Invitae Variant Classification Sherloc (09022015). Collection method: clinical testing. Allele origin: germline.
Comment: This sequence change replaces alanine, which is neutral and non-polar, with valine, which is neutral and non-polar, at codon 79 of the CDK4 protein (p.Ala79Val). This variant is not present in population databases (gnomAD no frequency). This variant has not been reported in the literature in individuals affected with CDK4-related conditions. An algorithm developed to predict the effect of missense changes on protein structure and function (PolyPhen-2) suggests that this variant is likely to be tolerated. In summary, the available evidence is currently insufficient to determine the role of this variant in disease. Therefore, it has been classified as a Variant of Uncertain Significance.